The following is an entry in ClinVar:

ClinVar aggregate classification (germline): Uncertain significance (1 of 4 stars; one submission).

Conditions:
Peroxisome biogenesis disorder 12A (Zellweger). Also called: Peroxisome biogenesis disorder 12A. Identifiers: Orphanet 912, MedGen C3554002, MONDO:0013951, OMIM 614886.

Allele frequency attached by ClinVar (database versions not stated): gnomAD 0.00001; TOPMed 0.00001.
gnomAD v4.1: 2 of 1,613,896 alleles (0.00012%); highest among the groups gnomAD compares: African/African-American, 0.0013%; no homozygotes.

Submission:

Labcorp Genetics (formerly Invitae), Labcorp
Classification: Uncertain significance for Peroxisome biogenesis disorder 12A (Zellweger). Last evaluated: 2022-06-11. Review status: criteria provided, single submitter. Criteria: Invitae Variant Classification Sherloc (09022015). Collection method: clinical testing. Allele origin: germline.
Comment: In summary, the available evidence is currently insufficient to determine the role of this variant in disease. Therefore, it has been classified as a Variant of Uncertain Significance. Algorithms developed to predict the effect of missense changes on protein structure and function are either unavailable or do not agree on the potential impact of this missense change (SIFT: "Tolerated"; PolyPhen-2: "Probably Damaging"; Align-GVGD: "Class C0"). This variant has not been reported in the literature in individuals affected with PEX19-related conditions. This variant is present in population databases (no rsID available, gnomAD 0.0009%). This sequence change replaces phenylalanine, which is neutral and non-polar, with leucine, which is neutral and non-polar, at codon 71 of the PEX19 protein (p.Phe71Leu).

NM_002857.4(PEX19):c.211T>C (p.Phe71Leu)

Gene: PEX19 (peroxisomal biogenesis factor 19; minus strand). Cytogenetic location: 1q23.2.
Variant type: single nucleotide variant.
Coding change: c.211T>C on transcript NM_002857.4 (MANE Select); coding-DNA position 211, T replaced by C.
Protein change: p.Phe71Leu; replaces phenylalanine 71 with leucine.
Molecular consequence: missense variant. On other transcripts: non-coding transcript variant (2).
Genome position (GRCh38, 1-based): chr1:160,283,079, A>G on the plus strand (T>C on the coding strand, the complement: PEX19 is on the minus strand). VCF-style: chr1-160283079-A-G. GRCh37 (hg19) VCF-style: chr1-160252869-A-G.
Other names: c.211T>C, p.Phe71Leu (NM_001193644.1); short protein forms F71L.
Identifiers: ClinVar variation 2004061 (VCV002004061.2), dbSNP rs912287486, ClinGen allele CA31525216.